The following is an entry in ClinVar:

NM_001190274.2(FBXO11):c.1507G>A (p.Gly503Arg)

Gene: FBXO11 (F-box protein 11; minus strand). Cytogenetic location: 2p16.3.
Variant type: single nucleotide variant.
Coding change: c.1507G>A on transcript NM_001190274.2 (MANE Select); coding-DNA position 1507, G replaced by A.
Protein change: p.Gly503Arg; replaces glycine 503 with arginine.
Molecular consequence: missense variant.
Genome position (GRCh38, 1-based): chr2:47,823,252, C>T on the plus strand (G>A on the coding strand, the complement: FBXO11 is on the minus strand). VCF-style: chr2-47823252-C-T. GRCh37 (hg19) VCF-style: chr2-48050391-C-T.
Other names: c.1255G>A, p.Gly419Arg (NM_001374325.1, NM_025133.4); short protein forms G419R, G503R.
Identifiers: ClinVar variation 2683987 (VCV002683987.3), dbSNP rs2531100944, ClinGen allele CA346764892.

ClinVar aggregate classification (germline): Conflicting classifications of pathogenicity. Review status: criteria provided, conflicting classifications (1 of 4 stars). 3 submissions from 3 submitters: Likely pathogenic (2); Uncertain significance (1). Last evaluated 2026-03-11.

Conditions:
Intellectual developmental disorder with dysmorphic facies and behavioral abnormalities. Identifiers: MedGen C4748135, MONDO:0060760, OMIM 618089.
FBXO11-related disorders.
Inborn genetic diseases. Identifiers: MedGen C0950123, MeSH D030342.

Submissions (3):

Ambry Genetics
Classification: Uncertain significance for Inborn genetic diseases. Last evaluated: 2026-03-11. Review status: criteria provided, single submitter. Criteria: Ambry Variant Classification Scheme 2023. Collection method: clinical testing. Allele origin: germline.
Comment: The c.1507G>A (p.G503R) alteration is located in exon 12 (coding exon 12) of the FBXO11 gene. This alteration results from a G to A substitution at nucleotide position 1507, causing the glycine (G) at amino acid position 503 to be replaced by an arginine (R). This variant was not reported in population-based cohorts in the Genome Aggregation Database (gnomAD). This amino acid position is highly conserved in available vertebrate species. This missense variant is located in a region that has a low rate of benign missense variation (Lek, 2016; Firth, 2009). This alteration is predicted to be deleterious by in silico analysis. Based on insufficient or conflicting evidence, the clinical significance of this alteration remains unclear.

MVZ Martinsried, Medicover Genetics
Classification: Likely pathogenic for Intellectual developmental disorder with dysmorphic facies and behavioral abnormalities. Last evaluated: 2023-12-08. Review status: criteria provided, single submitter. Criteria: ACGS Guidelines, 2020. Collection method: clinical testing. Allele origin: de novo. Affected: yes.

Blueprint Genetics
Classification: Likely pathogenic for FBXO11-related disorders. Last evaluated: 2019-01-26. Review status: criteria provided, single submitter. Criteria: ACMG Guidelines, 2015. Collection method: clinical testing. Allele origin: germline. Affected: yes. Observed: 2 variant alleles.